The following is an entry in ClinVar:

ClinVar aggregate classification (germline): Likely benign (1 of 4 stars; one submission).

Conditions:
LRRC45-related disorder. Also called: LRRC45-related condition.

gnomAD v4.1: 71 of 1,606,056 alleles (0.0044%); highest among the groups gnomAD compares: South Asian, 0.06%; no homozygotes.

Submission:

PreventionGenetics, part of Exact Sciences
Classification: Likely benign for LRRC45-related condition. Last evaluated: 2025-07-28. Review status: criteria provided, single submitter. Criteria: ACMG Guidelines, 2015. Collection method: clinical testing. Allele origin: germline.
Comment: This variant is classified as likely benign based on ACMG/AMP sequence variant interpretation guidelines (Richards et al. 2015 PMID: 25741868, with internal and published modifications).

NM_144999.4(LRRC45):c.399C>T (p.Phe133=)

Gene: LRRC45 (leucine rich repeat containing 45; plus strand). Cytogenetic location: 17q25.3.
Variant type: single nucleotide variant.
Coding change: c.399C>T on transcript NM_144999.4 (MANE Select); coding-DNA position 399, C replaced by T.
Protein change: p.Phe133=; no amino-acid change (phenylalanine 133 retained).
Molecular consequence: synonymous variant.
Genome position (GRCh38, 1-based): chr17:82,025,045, C>T. VCF-style: chr17-82025045-C-T. GRCh37 (hg19) VCF-style: chr17-79982921-C-T.
Identifiers: ClinVar variation 4985943 (VCV004985943.1).